The following is an entry in ClinVar:

NM_001365951.3(KIF1B):c.2918T>G (p.Val973Gly)

Genes: KIF1B (kinesin family member 1B; plus strand), LOC126805614 (BRD4-independent group 4 enhancer GRCh37_chr1:10385546-10386745; plus strand). Cytogenetic location: 1p36.22.
Variant type: single nucleotide variant.
Coding change: c.2918T>G on transcript NM_001365951.3 (MANE Select); coding-DNA position 2918, T replaced by G.
Protein change: p.Val973Gly; replaces valine 973 with glycine.
Molecular consequence: missense variant.
Genome position (GRCh38, 1-based): chr1:10,326,353, T>G. VCF-style: chr1-10326353-T-G. GRCh37 (hg19) VCF-style: chr1-10386411-T-G.
Other names: c.2918T>G, p.Val973Gly (NM_001365952.1); c.2780T>G, p.Val927Gly (NM_015074.3); short protein forms V973G, V927G.
Identifiers: ClinVar variation 2884889 (VCV002884889.4), dbSNP rs2521641594, ClinGen allele CA338337578.

ClinVar aggregate classification (germline): Uncertain significance. Review status: criteria provided, multiple submitters, no conflicts (2 of 4 stars). 2 submissions from 2 submitters: Uncertain significance (2). Last evaluated 2023-11-08.

Conditions:
Charcot-Marie-Tooth disease type 2. Also called: Charcot-Marie-Tooth type 2. Identifiers: Orphanet 64746, MedGen C0270914, MONDO:0018993.

Submissions (2):

Ambry Genetics
Classification: Uncertain significance. Last evaluated: 2023-11-08. Review status: criteria provided, single submitter. Criteria: Ambry Variant Classification Scheme 2023. Collection method: clinical testing. Allele origin: germline.
Comment: The p.V927G variant (also known as c.2780T>G), located in coding exon 24 of the KIF1B gene, results from a T to G substitution at nucleotide position 2780. The valine at codon 927 is replaced by glycine, an amino acid with dissimilar properties. This amino acid position is conserved. In addition, this alteration is predicted to be deleterious by in silico analysis. Since supporting evidence is limited at this time, the clinical significance of this alteration remains unclear.

Labcorp Genetics (formerly Invitae), Labcorp
Classification: Uncertain significance for Charcot-Marie-Tooth disease type 2. Last evaluated: 2023-05-24. Review status: criteria provided, single submitter. Criteria: Invitae Variant Classification Sherloc (09022015). Collection method: clinical testing. Allele origin: germline.
Comment: In summary, the available evidence is currently insufficient to determine the role of this variant in disease. Therefore, it has been classified as a Variant of Uncertain Significance. Algorithms developed to predict the effect of sequence changes on RNA splicing suggest that this variant may disrupt the consensus splice site. Advanced modeling of protein sequence and biophysical properties (such as structural, functional, and spatial information, amino acid conservation, physicochemical variation, residue mobility, and thermodynamic stability) has been performed at Invitae for this missense variant, however the output from this modeling did not meet the statistical confidence thresholds required to predict the impact of this variant on KIF1B protein function. This variant has not been reported in the literature in individuals affected with KIF1B-related conditions. This variant is not present in population databases (gnomAD no frequency). This sequence change replaces valine, which is neutral and non-polar, with glycine, which is neutral and non-polar, at codon 927 of the KIF1B protein (p.Val927Gly).